The following is an entry in ClinVar:

NM_005896.4(IDH1):c.591C>G (p.Phe197Leu)

Gene: IDH1 (isocitrate dehydrogenase (NADP(+)) 1; minus strand). Cytogenetic location: 2q34.
Variant type: single nucleotide variant.
Coding change: c.591C>G on transcript NM_005896.4 (MANE Select); coding-DNA position 591, C replaced by G.
Protein change: p.Phe197Leu; replaces phenylalanine 197 with leucine.
Molecular consequence: missense variant.
Genome position (GRCh38, 1-based): chr2:208,243,534, G>C on the plus strand (C>G on the coding strand, the complement: IDH1 is on the minus strand). VCF-style: chr2-208243534-G-C. GRCh37 (hg19) VCF-style: chr2-209108258-G-C.
Other names: c.591C>G, p.Phe197Leu (NM_001282386.1, NM_001282387.1); short protein forms F197L.
Identifiers: ClinVar variation 1750484 (VCV001750484.2), dbSNP rs2469022131, ClinGen allele CA350099337.
Genomic context (GRCh38, chr2:208,243,534, plus strand): 5'-CTTCAGAATAGTGTTTTTGGTGCTCAGATACAAAGGCCAACCCTTAGACAGAGCCATTTG[G>C]AAGGAACTGTGTGCAAAATCTTCAATTGACTTATCTTGATTATACATCCCCATGGCAACA-3'
Protein context (NP_005887.2, residues 187-207): KSIEDFAHSS[Phe197Leu]QMALSKGWPL

ClinVar aggregate classification (germline): Uncertain significance (1 of 4 stars; one submission).

Submission:

Ambry Genetics
Classification: Uncertain significance. Last evaluated: 2022-05-07. Review status: criteria provided, single submitter. Criteria: Ambry Variant Classification Scheme 2023. Collection method: clinical testing. Allele origin: germline.
Comment: The p.F197L variant (also known as c.591C>G), located in coding exon 4 of the IDH1 gene, results from a C to G substitution at nucleotide position 591. The phenylalanine at codon 197 is replaced by leucine, an amino acid with highly similar properties. This amino acid position is conserved. In addition, the in silico prediction for this alteration is inconclusive. Since supporting evidence is limited at this time, the clinical significance of this alteration remains unclear.